The following is an entry in ClinVar:

ClinVar aggregate classification (germline): Uncertain significance. Review status: criteria provided, multiple submitters, no conflicts (2 of 4 stars). 2 submissions from 2 submitters: Uncertain significance (2). Last evaluated 2023-06-21.

Conditions:
Epidermolysis bullosa simplex 5B, with muscular dystrophy (EBS5B). Also called: EPIDERMOLYSIS BULLOSA SIMPLEX AND LIMB-GIRDLE MUSCULAR DYSTROPHY; Epidermolysis bullosa simplex with muscular dystrophy. Identifiers: Orphanet 257, MedGen C2931072, MONDO:0009181, OMIM 226670.
Epidermolysis bullosa simplex with nail dystrophy (EBS5D). Identifiers: MedGen C4225309, MONDO:0014661, OMIM 616487.
Epidermolysis bullosa simplex 5C, with pyloric atresia (EBS5C). Also called: PLEC-Related Epidermolysis Bullosa with Pyloric Atresia; Epidermolysis bullosa simplex with pyloric atresia; PLEC1-Related Epidermolysis Bullosa with Pyloric Atresia. Identifiers: Orphanet 158684, MedGen C2677349, MONDO:0012807, OMIM 612138.
Autosomal recessive limb-girdle muscular dystrophy type 2Q (LGMDR17). Also called: MUSCULAR DYSTROPHY, LIMB-GIRDLE, AUTOSOMAL RECESSIVE 17. Identifiers: Orphanet 254361, MedGen C3150989, MONDO:0013390, OMIM 613723.
Epidermolysis bullosa simplex, Ogna type (EBS5A). Also called: EPIDERMOLYSIS BULLOSA SIMPLEX 5A, OGNA TYPE; Pidermolysis bullosa simplex 5A, Ogna type. Identifiers: Orphanet 79401, MedGen C0432317, MONDO:0007555, OMIM 131950.

Allele frequency attached by ClinVar (database versions not stated): gnomAD exomes below 0.00001; TOPMed 0.00001.
gnomAD v4.1: 1 of 1,610,854 alleles (0.000062%); highest among the groups gnomAD compares: Non-Finnish European, 0.000085%; no homozygotes.

Submissions (2):

Labcorp Genetics (formerly Invitae), Labcorp
Classification: Uncertain significance for Autosomal recessive limb-girdle muscular dystrophy type 2Q; Epidermolysis bullosa simplex, Ogna type; Epidermolysis bullosa simplex with nail dystrophy; Epidermolysis bullosa simplex 5C, with pyloric atresia; Epidermolysis bullosa simplex 5B, with muscular dystrophy. Last evaluated: 2023-06-21. Review status: criteria provided, single submitter. Criteria: Invitae Variant Classification Sherloc (09022015). Collection method: clinical testing. Allele origin: germline.
Comment: This sequence change replaces isoleucine, which is neutral and non-polar, with threonine, which is neutral and polar, at codon 3659 of the PLEC protein (p.Ile3659Thr). This variant is not present in population databases (gnomAD no frequency). This variant has not been reported in the literature in individuals affected with PLEC-related conditions. ClinVar contains an entry for this variant (Variation ID: 2435040). An algorithm developed to predict the effect of missense changes on protein structure and function (PolyPhen-2) suggests that this variant is likely to be tolerated. In summary, the available evidence is currently insufficient to determine the role of this variant in disease. Therefore, it has been classified as a Variant of Uncertain Significance.

Revvity Omics, Revvity
Classification: Uncertain significance. Last evaluated: 2021-06-04. Review status: criteria provided, single submitter. Criteria: ACMG Guidelines, 2015. Collection method: clinical testing. Allele origin: germline.

NM_201384.3(PLEC):c.10895T>C (p.Ile3632Thr)

Gene: PLEC (plectin; minus strand). Cytogenetic location: 8q24.3.
Variant type: single nucleotide variant.
Coding change: c.10895T>C on transcript NM_201384.3 (MANE Select); coding-DNA position 10895, T replaced by C.
Protein change: p.Ile3632Thr; replaces isoleucine 3632 with threonine.
Molecular consequence: missense variant.
Genome position (GRCh38, 1-based): chr8:143,918,926, A>G on the plus strand (T>C on the coding strand, the complement: PLEC is on the minus strand). VCF-style: chr8-143918926-A-G. GRCh37 (hg19) VCF-style: chr8-144993094-A-G.
Other names: c.10976T>C, p.Ile3659Thr (NM_000445.5); c.7595T>C, p.Ile2532Thr (NM_001410941.1); c.10853T>C, p.Ile3618Thr (NM_201378.4); c.10829T>C, p.Ile3610Thr (NM_201379.3); c.11306T>C, p.Ile3769Thr (NM_201380.4); c.10799T>C, p.Ile3600Thr (NM_201381.3); c.10895T>C, p.Ile3632Thr (NM_201382.4); c.10907T>C, p.Ile3636Thr (NM_201383.3); short protein forms I2532T, I3600T, I3610T, I3618T, I3632T, I3636T, I3659T, I3769T.
Identifiers: ClinVar variation 2435040 (VCV002435040.6), dbSNP rs1554676660, ClinGen allele CA372495796.